The following is an entry in ClinVar:

ClinVar aggregate classification (germline): Likely benign. Review status: criteria provided, multiple submitters, no conflicts (2 of 4 stars). 2 submissions from 2 submitters: Likely benign (2). Last evaluated 2025-11-01.

Allele frequency attached by ClinVar (database versions not stated): ExAC 0.00005.
gnomAD v4.1: 7 of 1,612,212 alleles (0.00043%); highest among the groups gnomAD compares: Admixed American, 0.0083%; no homozygotes.

Submissions (2):

CeGaT Center for Human Genetics Tuebingen
Classification: Likely benign. Last evaluated: 2025-11-01. Review status: criteria provided, single submitter. Criteria: CeGaT Center For Human Genetics Tuebingen Variant Classification Criteria Version 2. Collection method: clinical testing. Allele origin: germline. Affected: yes. Observed: 1 variant allele.
Comment: SNIP1: BP4, BP7

Labcorp Genetics (formerly Invitae), Labcorp
Classification: Likely benign. Last evaluated: 2024-10-30. Review status: criteria provided, single submitter. Criteria: Invitae Variant Classification Sherloc (09022015). Collection method: clinical testing. Allele origin: germline.

NM_024700.4(SNIP1):c.123C>T (p.Pro41=)

Gene: SNIP1 (Smad nuclear interacting protein 1; minus strand). Cytogenetic location: 1p34.3.
Variant type: single nucleotide variant.
Coding change: c.123C>T on transcript NM_024700.4 (MANE Select); coding-DNA position 123, C replaced by T.
Protein change: p.Pro41=; no amino-acid change (proline 41 retained).
Molecular consequence: synonymous variant.
Genome position (GRCh38, 1-based): chr1:37,554,107, G>A on the plus strand (C>T on the coding strand, the complement: SNIP1 is on the minus strand). VCF-style: chr1-37554107-G-A. GRCh37 (hg19) VCF-style: chr1-38019708-G-A.
Identifiers: ClinVar variation 1935710 (VCV001935710.11), dbSNP rs151226693, ClinGen allele CA771427.